The following is an entry in ClinVar:

NM_000352.6(ABCC8):c.928G>A (p.Asp310Asn)

Gene: ABCC8 (ATP binding cassette subfamily C member 8; minus strand). Cytogenetic location: 11p15.1.
Variant type: single nucleotide variant.
Coding change: c.928G>A on transcript NM_000352.6 (MANE Select); coding-DNA position 928, G replaced by A.
Protein change: p.Asp310Asn; replaces aspartic acid 310 with asparagine.
Molecular consequence: missense variant. On other transcripts: non-coding transcript variant (1).
Genome position (GRCh38, 1-based): chr11:17,460,571, C>T on the plus strand (G>A on the coding strand, the complement: ABCC8 is on the minus strand). VCF-style: chr11-17460571-C-T. GRCh37 (hg19) VCF-style: chr11-17482118-C-T.
Other names: NM_000352.6(ABCC8):c.928G>A; p.Asp310Asn; c.928G>A, p.Asp310Asn (NM_001287174.3, NM_001351295.2); c.925G>A, p.Asp309Asn (NM_001351296.2, NM_001351297.2); short protein forms D310N, D309N.
Identifiers: ClinVar variation 585352 (VCV000585352.24), dbSNP rs769569410, ClinGen allele CA5903724.

ClinVar aggregate classification (germline): Likely pathogenic. Review status: criteria provided, multiple submitters, no conflicts (2 of 4 stars). 11 submissions from 11 submitters: Likely pathogenic (10). 1 of the submissions does not count toward it. Last evaluated 2025-10-28.

Conditions:
Hereditary hyperinsulinism.
Type 2 diabetes mellitus. Also called: Type II diabetes mellitus. Identifiers: MedGen C0011860, MeSH D003924, MONDO:0005148, OMIM 125853, HP:0005978.
Diabetes mellitus, transient neonatal, 2 (TNDM2). Identifiers: Orphanet 99886, MedGen C1835887, MONDO:0012480, OMIM 610374. Disease mechanism: loss of function.
Hyperinsulinemic hypoglycemia, familial, 1 (HHF1). Also called: Persistent hyperinsulinemic hypoglycemia of infancy; HYPERINSULINISM, FAMILIAL, WITH PANCREATIC NESIDIOBLASTOSIS; HYPOGLYCEMIA, HYPERINSULINEMIC, OF INFANCY; NESIDIOBLASTOSIS OF PANCREAS; Persistent Hyperinsulinemia Hypoglycemia of Infancy. Identifiers: Orphanet 276575, Orphanet 276598, MedGen C2931832, MONDO:0009734, OMIM 256450.
Leucine-induced hypoglycemia (LIH). Also called: LEUCINE-SENSITIVE HYPOGLYCEMIA OF INFANCY. Identifiers: MedGen C0271714, MONDO:0009415, OMIM 240800.
Diabetes mellitus, permanent neonatal 3. Also called: ABCC8-Related Permanent Neonatal Diabetes Mellitus. Identifiers: MedGen C5394303, MONDO:0030088, OMIM 618857.
ABCC8-related disorder.
Familial hyperinsulinism. Also called: Congenital hyperinsulinism. Identifiers: Orphanet 276525, MedGen C3888018, MONDO:0017182. Disease mechanism: loss of function.

Allele frequency attached by ClinVar (database versions not stated): ExAC 0.00001; gnomAD 0.00001; gnomAD exomes 0.00001; TOPMed 0.00002.

Submissions (11):

Natera, Inc.
Classification: Likely pathogenic for Hereditary hyperinsulinism. Last evaluated: 2025-10-28. Review status: criteria provided, single submitter. Criteria: Natera Variant Classification Schema (03/2026). Collection method: clinical testing. Allele origin: germline.
Comment: The c.928G>A variant in ABCC8 is a missense variant predicted to cause substitution of aspartic acid to asparagine at amino acid 310. This variant is rare in the general population with a frequency below the threshold expected for the associated phenotype(s). This variant has been observed in affected individual(s) with monoallelic occurrence (heterozygous/hemizygous) (PMID: 18596924, 27188453, 27908292). This variant has been identified in one or more affected individual with a phenotype highly consistent with the associated gene (PMID: 27188453). Functional studies show that this variant may disrupt protein function (PMID: 18596924). Computational prediction algorithms indicate this variant is likely to affect gene or protein function. Given the available evidence, this variant is classified as Likely Pathogenic.

Women's Health and Genetics/Laboratory Corporation of America, LabCorp
Classification: Likely pathogenic for Familial hyperinsulinism. Last evaluated: 2024-09-12. Review status: criteria provided, single submitter. Criteria: LabCorp Variant Classification Summary - May 2015. Collection method: clinical testing. Allele origin: germline.
Comment: Variant summary: ABCC8 c.928G>A (p.Asp310Asn) results in a conservative amino acid change located in the ABC transporter type 1, transmembrane domain (IPR011527) of the encoded protein sequence. Four of five in-silico tools predict a damaging effect of the variant on protein function. The variant allele was found at a frequency of 1.2e-05 in 250942 control chromosomes (gnomAD). c.928G>A has been reported in the literature in individuals affected with Familial Hyperinsulinism (Fernandez-Marmiesse2006, Pinney_2008, Martnez_2016, Salomon-Estebanez_2016, Motte-Signoret_2022). These data indicate that the variant is likely to be associated with disease. At least one publication reports this variant affects protein function (Pinney_JCI_2008). The following publications have been ascertained in the context of this evaluation (PMID: 31464105, 16429405, 21536946, 27188453, 36144251, 18596924, 27908292, 23275527). ClinVar contains an entry for this variant (Variation ID: 585352). Based on the evidence outlined above, the variant was classified as likely pathogenic.

Labcorp Genetics (formerly Invitae), Labcorp
Classification: Likely pathogenic. Last evaluated: 2024-04-25. Review status: criteria provided, single submitter. Criteria: Invitae Variant Classification Sherloc (09022015). Collection method: clinical testing. Allele origin: germline.
Comment: This sequence change replaces aspartic acid, which is acidic and polar, with asparagine, which is neutral and polar, at codon 310 of the ABCC8 protein (p.Asp310Asn). This variant is present in population databases (rs769569410, gnomAD 0.003%). This missense change has been observed in individual(s) with congenital hyperinsulinism and type 2 diabetes (PMID: 16429405, 18596924, 27188453, 33046911). ClinVar contains an entry for this variant (Variation ID: 585352). Advanced modeling of protein sequence and biophysical properties (such as structural, functional, and spatial information, amino acid conservation, physicochemical variation, residue mobility, and thermodynamic stability) performed at Invitae indicates that this missense variant is expected to disrupt ABCC8 protein function with a positive predictive value of 95%. Experimental studies have shown that this missense change affects ABCC8 function (PMID: 18596924, 20427569). This variant disrupts the p.Asp310 amino acid residue in ABCC8. Other variant(s) that disrupt this residue have been observed in individuals with ABCC8-related conditions (PMID: 17236890; Invitae), which suggests that this may be a clinically significant amino acid residue. In summary, the currently available evidence indicates that the variant is pathogenic, but additional data are needed to prove that conclusively. Therefore, this variant has been classified as Likely Pathogenic.

Baylor Genetics
Classification: Likely pathogenic for Type 2 diabetes mellitus. Last evaluated: 2024-03-22. Review status: criteria provided, single submitter. Criteria: ACMG Guidelines, 2015. Collection method: clinical testing. Allele origin: unknown.

Broad Center for Mendelian Genomics, Broad Institute of MIT and Harvard
Classification: Likely pathogenic for Hyperinsulinemic hypoglycemia, familial, 1. Last evaluated: 2023-08-16. Review status: criteria provided, single submitter. Criteria: ACMG Guidelines, 2015. Collection method: curation. Allele origin: germline. Inheritance: Autosomal recessive inheritance.
Comment: The p.Asp310Asn variant in ABCC8 has been previously reported in 3 individuals with hyperinsulinemic hypoglycemia (PMID: 16429405, 17236890, 27908292) and has been seen in 0.006% (2/34590) of Latino/Admixed American chromosomes by the Genome Aggregation Database (gnomAD; dbSNP: rs769569410). Although this variant has been seen in the general population in a heterozygous state, its frequency is low enough to be consistent with a recessive carrier frequency. This variant has also been reported in ClinVar (Variation ID: 585352) and has been interpreted as likely pathogenic by Fulgent Genetics, DASA, Natera Inc, Athena Diagnostics Inc, and Invitae. Of the 3 affected individuals, 1 was a compound heterozygote that carried a reported likely pathogenic variants in trans, which increases the likelihood that the p.Asp310Asn variant is pathogenic (PMID: 17236890). In vitro functional studies provide some evidence that the p.Asp310Asn variant may slightly impact protein function (PMID: 18596924, 20427569). However, these types of assays may not accurately represent biological function. Computational prediction tools and conservation analyses suggest that this variant may impact the protein, though this information is not predictive enough to determine pathogenicity. In summary, although additional studies are required to fully establish its clinical significance, this variant is likely pathogenic for autosomal recessive hyperinsulinemic hypoglycemia. ACMG/AMP Criteria applied: PM3, PP3, PM2, PS3_supporting (Richards 2015).

Laboratoire de Génétique Moléculaire, CHU Bordeaux
Classification: Likely pathogenic for Hyperinsulinemic hypoglycemia, familial, 1. Last evaluated: 2023-03-08. Review status: criteria provided, single submitter. Criteria: ACMG Guidelines, 2015. Collection method: clinical testing. Allele origin: germline. Affected: yes.

Dasa
Classification: Likely pathogenic for Type 2 diabetes mellitus. Last evaluated: 2022-06-10. Review status: criteria provided, single submitter. Criteria: ACMG Guidelines, 2015. Collection method: clinical testing. Allele origin: germline. Observed: 1 variant allele.
Comment: The c.928G>A;p.(Asp310Asn) missense change has been observed in affected individual(s) and ClinVar contains an entry for this variant (Clinvar ID: 585352; PMID: 27908292; 27188453; 23275527; 21536946; 20427569; 18596924) - PS4.Well-established in vitro or in vivo functional studies supportive of a damaging effect on the gene or gene product (PMID: 20427569) - PS3_supporting. The variant is present at low allele frequencies population databases (rs769569410– gnomAD 0.00006569%; ABraOM 0.000427 frequency) -PM2_supporting. Multiple lines of computational evidence support a deleterious effect on the gene or gene product - PP3. In summary, the currently available evidence indicates that the variant is Likely Pathogenic

Fulgent Genetics
Classification: Likely pathogenic for Type 2 diabetes mellitus; Leucine-induced hypoglycemia; Hyperinsulinemic hypoglycemia, familial, 1; Diabetes mellitus, transient neonatal, 2; Diabetes mellitus, permanent neonatal 3. Last evaluated: 2022-01-04. Review status: criteria provided, single submitter. Criteria: ACMG Guidelines, 2015. Collection method: clinical testing. Allele origin: unknown.

Athena Diagnostics
Classification: Likely pathogenic. Last evaluated: 2018-04-20. Review status: criteria provided, single submitter. Criteria: Athena Diagnostics Criteria. Collection method: clinical testing. Allele origin: germline.

Juno Genomics, Hangzhou Juno Genomics, Inc
Classification: Likely pathogenic for Hyperinsulinemic hypoglycemia, familial, 1. Review status: criteria provided, single submitter. Criteria: ACMG Guidelines, 2015. Collection method: clinical testing. Allele origin: germline. Affected: yes.
Comment: Absent from controls (or at extremely low frequency if recessive) in Genome Aggregation Database, Exome Sequencing Project, 1000 Genomes Project, or Exome Aggregation Consortium.;Multiple lines of computational evidence support a deleterious effect on the gene or gene product (conservation, evolutionary, splicing impact, etc).;The prevalence of the variant in affected individuals is significantly increased compared to the prevalence in controls.;Patient's phenotype or family history is highly specific for a disease with a single genetic etiology.

PreventionGenetics, part of Exact Sciences
Classification: Pathogenic for ABCC8-related condition. Last evaluated: 2024-04-16. Review status: no assertion criteria provided. Collection method: clinical testing. Allele origin: germline. Not counted in ClinVar's aggregate classification.
Comment: The ABCC8 c.928G>A variant is predicted to result in the amino acid substitution p.Asp310Asn. This variant has been reported in the heterozygous and compound heterozygous states in multiple individuals with congenital hyperinsulinism (see for example, Table 1, Fernandez-Marmiesse et al. 2006. PubMed ID: 16429405; Table 2, Martínez et al. 2016. PubMed ID: 27188453; Motte-Signoret et al. 2022. PubMed ID: 36144251). Functional studies have shown that this variant affects ABCC8 surface expression and function (Table 4, Pinney et al. 2008. PubMed ID: 18596924; Figure 5, Yan et al. 2010. PubMed ID: 20427569). This variant is reported in 0.0058% of alleles in individuals of Latino descent in gnomAD. An alternative substitution affecting the same amino acid (p.Asp310Val) has been reported in association with hyperinsulinism (Table 2, Hardy et al. 2007. PubMed ID: 17236890). This variant is interpreted as pathogenic.

Literature cited by the submitters: PubMed 18596924 (cited by 5 submitters); PubMed 27188453 (cited by 5 submitters); PubMed 27908292 (cited by 4 submitters); PubMed 16429405 (cited by 3 submitters); PubMed 21536946 (cited by 3 submitters); PubMed 23275527 (cited by Women's Health and Genetics/Laboratory Corporation of America, LabCorp and Dasa); PubMed 31464105 (cited by Women's Health and Genetics/Laboratory Corporation of America, LabCorp); PubMed 36144251 (cited by Women's Health and Genetics/Laboratory Corporation of America, LabCorp); PubMed 33046911 (cited by Labcorp Genetics (formerly Invitae), Labcorp); PubMed 20427569 (cited by 3 submitters); PubMed 17236890 (cited by Labcorp Genetics (formerly Invitae), Labcorp).